The following is an entry in ClinVar:

NM_003738.5(PTCH2):c.1517C>A (p.Ser506Tyr)

Gene: PTCH2 (patched 2; minus strand). Cytogenetic location: 1p34.1.
Variant type: single nucleotide variant.
Coding change: c.1517C>A on transcript NM_003738.5 (MANE Select); coding-DNA position 1517, C replaced by A.
Protein change: p.Ser506Tyr; replaces serine 506 with tyrosine.
Molecular consequence: missense variant.
Genome position (GRCh38, 1-based): chr1:44,828,579, G>T on the plus strand (C>A on the coding strand, the complement: PTCH2 is on the minus strand). VCF-style: chr1-44828579-G-T. GRCh37 (hg19) VCF-style: chr1-45294251-G-T.
Other names: c.1517C>A, p.Ser506Tyr (NM_001166292.2); short protein forms S506Y.
Identifiers: ClinVar variation 1400852 (VCV001400852.8), dbSNP rs1322200411, ClinGen allele CA340100851.

ClinVar aggregate classification (germline): Uncertain significance (1 of 4 stars; one submission).

Conditions:
Gorlin syndrome. Also called: Nevoid Basal Cell Carcinoma Syndrome; Basal cell nevus syndrome. Identifiers: Orphanet 377, MedGen C0004779, MONDO:0007187.

Allele frequency attached by ClinVar (database versions not stated): gnomAD exomes below 0.00001.

Submission:

Labcorp Genetics (formerly Invitae), Labcorp
Classification: Uncertain significance for Gorlin syndrome. Last evaluated: 2024-03-07. Review status: criteria provided, single submitter. Criteria: Invitae Variant Classification Sherloc (09022015). Collection method: clinical testing. Allele origin: germline.
Comment: This sequence change replaces serine, which is neutral and polar, with tyrosine, which is neutral and polar, at codon 506 of the PTCH2 protein (p.Ser506Tyr). This variant is not present in population databases (gnomAD no frequency). This variant has not been reported in the literature in individuals affected with PTCH2-related conditions. ClinVar contains an entry for this variant (Variation ID: 1400852). Advanced modeling of protein sequence and biophysical properties (such as structural, functional, and spatial information, amino acid conservation, physicochemical variation, residue mobility, and thermodynamic stability) has been performed at Invitae for this missense variant, however the output from this modeling did not meet the statistical confidence thresholds required to predict the impact of this variant on PTCH2 protein function. In summary, the available evidence is currently insufficient to determine the role of this variant in disease. Therefore, it has been classified as a Variant of Uncertain Significance.